The following is an entry in ClinVar:

ClinVar aggregate classification (germline): Uncertain significance (1 of 4 stars; one submission).

Submission:

CeGaT Center for Human Genetics Tuebingen
Classification: Uncertain significance. Last evaluated: 2025-11-01. Review status: criteria provided, single submitter. Criteria: CeGaT Center For Human Genetics Tuebingen Variant Classification Criteria Version 2. Collection method: clinical testing. Allele origin: germline. Affected: yes. Observed: 1 variant allele.
Comment: AIFM1: PM2:Supporting, BP4

NM_004208.4(AIFM1):c.210C>A (p.Val70=)

Genes: AIFM1 (apoptosis inducing factor mitochondria associated 1; minus strand), RAB33A (RAB33A, member RAS oncogene family; plus strand). Cytogenetic location: Xq26.1.
Variant type: single nucleotide variant.
Coding change: c.210C>A on transcript NM_004208.4 (MANE Select); coding-DNA position 210, C replaced by A.
Protein change: p.Val70=; no amino-acid change (valine 70 retained).
Molecular consequence: synonymous variant. On other transcripts: intron variant (1).
Genome position (GRCh38, 1-based): chrX:130,156,500, G>T on the plus strand (C>A on the coding strand, the complement: AIFM1 is on the minus strand). VCF-style: chrX-130156500-G-T. GRCh37 (hg19) VCF-style: chrX-129290474-G-T.
Other names: c.210C>A, p.Val70= (NM_001130847.4); c.107-1214C>A (NM_145812.3).
Identifiers: ClinVar variation 4535424 (VCV004535424.6).